The following is an entry in ClinVar:

NM_006005.3(WFS1):c.1949A>G (p.Tyr650Cys)

Gene: WFS1 (wolframin ER transmembrane glycoprotein; plus strand). Cytogenetic location: 4p16.1.
Variant type: single nucleotide variant.
Coding change: c.1949A>G on transcript NM_006005.3 (MANE Select); coding-DNA position 1949, A replaced by G.
Protein change: p.Tyr650Cys; replaces tyrosine 650 with cysteine.
Molecular consequence: missense variant.
Genome position (GRCh38, 1-based): chr4:6,301,744, A>G. VCF-style: chr4-6301744-A-G. GRCh37 (hg19) VCF-style: chr4-6303471-A-G.
Other names: c.1949A>G, p.Tyr650Cys (NM_001145853.1); short protein forms Y650C.
Identifiers: ClinVar variation 1218633 (VCV001218633.8), dbSNP rs765322804, ClinGen allele CA2839556.
Genomic context (GRCh38, chr4:6,301,744, plus strand): 5'-GCTCCATGGTCAAGCTCATCCTGGTGTGGCTCACGGCCATCGTGCTGTTCTGCTGGTTCT[A>G]TGTGTACCGCTCAGAGGGCATGAAGGTCTACAACTCCACACTGACCTGGCAGCAGTATGG-3'
Protein context (NP_005996.2, residues 640-660): LTAIVLFCWF[Tyr650Cys]VYRSEGMKVY

ClinVar aggregate classification (germline): Conflicting classifications of pathogenicity. Review status: criteria provided, conflicting classifications (1 of 4 stars). 5 submissions from 5 submitters: Likely pathogenic (1); Uncertain significance (4). Last evaluated 2024-10-24.

Conditions:
Cataract 41 (CTRCT41). Also called: CATARACT 41, CONGENITAL NUCLEAR TYPE. Identifiers: Orphanet 91492, Orphanet 98991, Orphanet 98992, Orphanet 98995, MedGen C3805412, MONDO:0007287, OMIM 116400.
Wolfram syndrome 1 (WFS1). Identifiers: Orphanet 3463, MedGen C4551693, MONDO:0009101, OMIM 222300.
Wolfram-like syndrome. Also called: HEARING LOSS, PROGRESSIVE, WITH OPTIC ATROPHY AND/OR IMPAIRED GLUCOSE REGULATION. Identifiers: Orphanet 411590, MedGen C3280358, MONDO:0013673, OMIM 614296.
Autosomal dominant nonsyndromic hearing loss 6 (LFSNHL). Also called: DEAFNESS, AUTOSOMAL DOMINANT 6; DEAFNESS, AUTOSOMAL DOMINANT 14; DEAFNESS, AUTOSOMAL DOMINANT 38; Autosomal dominant nonsyndromic deafness 6. Identifiers: Orphanet 90635, MedGen C1833021, MONDO:0010963, OMIM 600965.
Type 2 diabetes mellitus. Also called: Type II diabetes mellitus. Identifiers: MedGen C0011860, MeSH D003924, MONDO:0005148, OMIM 125853, HP:0005978.
WFS1-related disorder. Identifiers: MedGen CN379391, MONDO:0700293.

Allele frequency attached by ClinVar (database versions not stated): ExAC 0.00002; gnomAD 0.00003 and 0.00004; TOPMed 0.00003.
gnomAD v4.1: 68 of 1,613,672 alleles (0.0042%); highest among the groups gnomAD compares: East Asian, 0.016%; no homozygotes.

Submissions (5):

Labcorp Genetics (formerly Invitae), Labcorp
Classification: Likely pathogenic. Last evaluated: 2024-10-24. Review status: criteria provided, single submitter. Criteria: Invitae Variant Classification Sherloc (09022015). Collection method: clinical testing. Allele origin: germline.
Comment: This sequence change replaces tyrosine, which is neutral and polar, with cysteine, which is neutral and slightly polar, at codon 650 of the WFS1 protein (p.Tyr650Cys). This variant is present in population databases (rs765322804, gnomAD 0.01%). This variant has not been reported in the literature in individuals affected with WFS1-related conditions. ClinVar contains an entry for this variant (Variation ID: 1218633). Invitae Evidence Modeling of protein sequence and biophysical properties (such as structural, functional, and spatial information, amino acid conservation, physicochemical variation, residue mobility, and thermodynamic stability) indicates that this missense variant is expected to disrupt WFS1 protein function with a positive predictive value of 95%. This variant disrupts the p.Tyr650 amino acid residue in WFS1. Other variant(s) that disrupt this residue have been determined to be pathogenic (PMID: 27395765; internal data). This suggests that this residue is clinically significant, and that variants that disrupt this residue are likely to be disease-causing. In summary, the currently available evidence indicates that the variant is pathogenic, but additional data are needed to prove that conclusively. Therefore, this variant has been classified as Likely Pathogenic.

PreventionGenetics, part of Exact Sciences
Classification: Uncertain significance for WFS1-related condition. Last evaluated: 2024-10-07. Review status: criteria provided, single submitter. Criteria: ACMG Guidelines, 2015. Collection method: clinical testing. Allele origin: germline.
Comment: The WFS1 c.1949A>G variant is predicted to result in the amino acid substitution p.Tyr650Cys. This variant has been reported in a patient with Leber's congenital amaurosis and retinitis pigmentosa; however, this individual also carries a homozygous pathogenic variant in PROMI and a few variants in other gene (Bryant et al. 2017. PubMed ID: 29343940). This variant is reported in 0.012% of alleles in individuals of African descent in gnomAD. An alternate variant affecting the same amino acid (p.Tyr650His) has been reported in a family with autosomal dominant Wolfram-like syndrome (Grenier et al.2016. PubMed ID: 27395765 ). At this time, the clinical significance of this variant is uncertain due to the absence of conclusive functional and genetic evidence.

Blueprint Genetics
Classification: Uncertain significance. Last evaluated: 2024-05-30. Review status: criteria provided, single submitter. Criteria: ACMG Guidelines, 2015. Collection method: clinical testing. Allele origin: germline.

Fulgent Genetics
Classification: Uncertain significance for Cataract 41; Type 2 diabetes mellitus; Wolfram syndrome 1; Autosomal dominant nonsyndromic hearing loss 6; Wolfram-like syndrome. Last evaluated: 2022-03-05. Review status: criteria provided, single submitter. Criteria: ACMG Guidelines, 2015. Collection method: clinical testing. Allele origin: unknown.

GeneDx
Classification: Uncertain significance. Last evaluated: 2021-03-31. Review status: criteria provided, single submitter. Criteria: GeneDx Variant Classification Process June 2021. Collection method: clinical testing. Allele origin: germline. Affected: yes.
Comment: Not observed at a significant frequency in large population cohorts (Lek et al., 2016); In silico analysis, which includes protein predictors and evolutionary conservation, supports a deleterious effect; This variant is associated with the following publications: (PMID: 29343940)

Literature cited by the submitters: PubMed 27395765 (cited by Labcorp Genetics (formerly Invitae), Labcorp).